The following is an entry in ClinVar:

NM_005428.4(VAV1):c.827+1G>A

Gene: VAV1 (vav guanine nucleotide exchange factor 1; plus strand). Cytogenetic location: 19p13.3.
Variant type: single nucleotide variant.
Coding change: c.827+1G>A on transcript NM_005428.4 (MANE Select); the canonical splice donor site of the intron after coding-DNA position 827, G replaced by A.
Molecular consequence: splice donor variant.
Genome position (GRCh38, 1-based): chr19:6,825,407, G>A. VCF-style: chr19-6825407-G-A. GRCh37 (hg19) VCF-style: chr19-6825418-G-A.
Other names: c.827+1G>A (NM_001258206.2); c.731+1G>A (NM_001258207.2).
Identifiers: ClinVar variation 2013395 (VCV002013395.4), dbSNP rs1568305670, ClinGen allele CA403618848.

ClinVar aggregate classification (germline): Uncertain significance (1 of 4 stars; one submission).

Allele frequency attached by ClinVar (database versions not stated): gnomAD exomes below 0.00001.
gnomAD v4.1: 1 of 1,610,614 alleles (0.000062%); highest among the groups gnomAD compares: Non-Finnish European, 0.000085%; no homozygotes.

Submission:

Labcorp Genetics (formerly Invitae), Labcorp
Classification: Uncertain significance. Last evaluated: 2025-10-20. Review status: criteria provided, single submitter. Criteria: Invitae Variant Classification Sherloc (09022015). Collection method: clinical testing. Allele origin: germline.
Comment: This sequence change affects a donor splice site in intron 8 of the VAV1 gene. It is expected to disrupt RNA splicing. Variants that disrupt the donor or acceptor splice site typically lead to a loss of protein function (PMID: 16199547), however the current clinical and genetic evidence is not sufficient to establish whether loss-of-function variants in VAV1 cause disease. This variant is not present in population databases (gnomAD no frequency). This variant has not been reported in the literature in individuals affected with VAV1-related conditions. ClinVar contains an entry for this variant (Variation ID: 2013395). Algorithms developed to predict the effect of sequence changes on RNA splicing suggest that this variant may disrupt the consensus splice site. In summary, the available evidence is currently insufficient to determine the role of this variant in disease. Therefore, it has been classified as a Variant of Uncertain Significance.

Literature cited by the submitters: PubMed 16199547.